The following is an entry in ClinVar:

ClinVar aggregate classification (germline): Uncertain significance. Review status: criteria provided, multiple submitters, no conflicts (2 of 4 stars). 2 submissions from 2 submitters: Uncertain significance (2). Last evaluated 2024-05-10.

Conditions:
Emery-Dreifuss muscular dystrophy 5, autosomal dominant (EDMD5). Also called: EMERY-DREIFUSS MUSCULAR DYSTROPHY 5. Identifiers: Orphanet 261, MedGen C2751805, MONDO:0013072, OMIM 612999.

gnomAD v4.1: 1 of 1,614,164 alleles (0.000062%); highest among the groups gnomAD compares: Non-Finnish European, 0.000085%; no homozygotes.

Submissions (2):

Women's Health and Genetics/Laboratory Corporation of America, LabCorp
Classification: Uncertain significance. Last evaluated: 2024-05-10. Review status: criteria provided, single submitter. Criteria: LabCorp Variant Classification Summary - May 2015. Collection method: clinical testing. Allele origin: germline.
Comment: Variant summary: SYNE2 c.12508A>G (p.Ile4170Val) results in a conservative amino acid change in the encoded protein sequence. Five of five in-silico tools predict a benign effect of the variant on protein function. The variant was absent in 251476 control chromosomes. The available data on variant occurrences in the general population are insufficient to allow any conclusion about variant significance. To our knowledge, no occurrence of c.12508A>G in individuals affected with Emery-Dreifuss Muscular Dystrophy 5, Autosomal Dominant and no experimental evidence demonstrating its impact on protein function have been reported. ClinVar contains an entry for this variant (Variation ID: 1435843). Based on the evidence outlined above, the variant was classified as uncertain significance.

Labcorp Genetics (formerly Invitae), Labcorp
Classification: Uncertain significance for Emery-Dreifuss muscular dystrophy 5, autosomal dominant. Last evaluated: 2022-11-01. Review status: criteria provided, single submitter. Criteria: Invitae Variant Classification Sherloc (09022015). Collection method: clinical testing. Allele origin: germline.
Comment: In summary, the available evidence is currently insufficient to determine the role of this variant in disease. Therefore, it has been classified as a Variant of Uncertain Significance. Algorithms developed to predict the effect of missense changes on protein structure and function are either unavailable or do not agree on the potential impact of this missense change (SIFT: "Tolerated"; PolyPhen-2: "Possibly Damaging"; Align-GVGD: "Class C0"). ClinVar contains an entry for this variant (Variation ID: 1435843). This variant has not been reported in the literature in individuals affected with SYNE2-related conditions. This variant is not present in population databases (gnomAD no frequency). This sequence change replaces isoleucine, which is neutral and non-polar, with valine, which is neutral and non-polar, at codon 4170 of the SYNE2 protein (p.Ile4170Val).

NM_182914.3(SYNE2):c.12508A>G (p.Ile4170Val)

Gene: SYNE2 (spectrin repeat containing nuclear envelope protein 2; plus strand). Cytogenetic location: 14q23.2.
Variant type: single nucleotide variant.
Coding change: c.12508A>G on transcript NM_182914.3 (MANE Select); coding-DNA position 12508, A replaced by G.
Protein change: p.Ile4170Val; replaces isoleucine 4170 with valine.
Molecular consequence: missense variant.
Genome position (GRCh38, 1-based): chr14:64,107,506, A>G. VCF-style: chr14-64107506-A-G. GRCh37 (hg19) VCF-style: chr14-64574224-A-G.
Other names: c.12508A>G, p.Ile4170Val (NM_015180.6); short protein forms I4170V.
Identifiers: ClinVar variation 1435843 (VCV001435843.7), dbSNP rs2153650321, ClinGen allele CA389956021.